The following is an entry in ClinVar:

ClinVar aggregate classification (germline): Uncertain significance. Review status: criteria provided, multiple submitters, no conflicts (2 of 4 stars). 2 submissions from 2 submitters: Uncertain significance (2). Last evaluated 2021-11-16.

Conditions:
Inborn genetic diseases. Identifiers: MedGen C0950123, MeSH D030342.

Allele frequency attached by ClinVar (database versions not stated): TOPMed below 0.00001; gnomAD exomes 0.00001.
gnomAD v4.1: 3 of 1,613,732 alleles (0.00019%); highest among the groups gnomAD compares: Non-Finnish European, 0.00025%; no homozygotes.

Submissions (2):

Ambry Genetics
Classification: Uncertain significance for Inborn genetic diseases. Last evaluated: 2021-11-16. Review status: criteria provided, single submitter. Criteria: Ambry Variant Classification Scheme 2023. Collection method: clinical testing. Allele origin: germline.

Labcorp Genetics (formerly Invitae), Labcorp
Classification: Uncertain significance. Last evaluated: 2021-05-30. Review status: criteria provided, single submitter. Criteria: Invitae Variant Classification Sherloc (09022015). Collection method: clinical testing. Allele origin: germline.
Comment: Algorithms developed to predict the effect of missense changes on protein structure and function are either unavailable or do not agree on the potential impact of this missense change (SIFT: "Tolerated"; PolyPhen-2: "Possibly Damaging"; Align-GVGD: "Class C0"). This variant has not been reported in the literature in individuals with UBAP1-related conditions. This variant is not present in population databases (ExAC no frequency). This sequence change replaces glutamic acid with lysine at codon 509 of the UBAP1 protein (p.Glu509Lys). The glutamic acid residue is moderately conserved and there is a small physicochemical difference between glutamic acid and lysine. In summary, the available evidence is currently insufficient to determine the role of this variant in disease. Therefore, it has been classified as a Variant of Uncertain Significance.

NM_016525.5(UBAP1):c.1333G>A (p.Glu445Lys)

Gene: UBAP1 (ubiquitin associated protein 1; plus strand). Cytogenetic location: 9p13.3.
Variant type: single nucleotide variant.
Coding change: c.1333G>A on transcript NM_016525.5 (MANE Select); coding-DNA position 1333, G replaced by A.
Protein change: p.Glu445Lys; replaces glutamic acid 445 with lysine.
Molecular consequence: missense variant. On other transcripts: non-coding transcript variant (1).
Genome position (GRCh38, 1-based): chr9:34,250,724, G>A. VCF-style: chr9-34250724-G-A. GRCh37 (hg19) VCF-style: chr9-34250722-G-A.
Other names: c.1525G>A, p.Glu509Lys (NM_001171201.1); c.1441G>A, p.Glu481Lys (NM_001171202.1); c.1333G>A, p.Glu445Lys (NM_001171203.3, NM_001171204.3); short protein forms E445K, E481K, E509K.
Identifiers: ClinVar variation 1357311 (VCV001357311.7), dbSNP rs1834449762, ClinGen allele CA373255342.
Genomic context (GRCh38, chr9:34,250,724, plus strand): 5'-GACTATCTCTTTGCACATGGACAGCTTTGTGAGAAGGGCTTCGACCCTCTTTTAGTGGAA[G>A]AGGCTCTGGAAATGCACCAGTGTTCAGAAGAAAAGGTGGGAATCTTCATGTTTCTTGGGA-3'
Protein context (NP_057609.2, residues 435-455): EKGFDPLLVE[Glu445Lys]ALEMHQCSEE